The following is an entry in ClinVar:

ClinVar aggregate classification (germline): Pathogenic. Review status: criteria provided, multiple submitters, no conflicts (2 of 4 stars). 5 submissions from 5 submitters: Pathogenic (3). 2 of the submissions do not count toward it. Last evaluated 2025-09-24.

Conditions:
Hereditary cancer-predisposing syndrome. Also called: Tumor predisposition; Neoplastic Syndromes, Hereditary; Hereditary Cancer Syndrome; Hereditary neoplastic syndrome. Identifiers: Orphanet 140162, MedGen C0027672, MeSH D009386, MONDO:0015356.
Hereditary breast ovarian cancer syndrome. Also called: Hereditary breast and ovarian cancer syndrome (HBOC); Hereditary breast and ovarian cancer syndrome; Hereditary breast and ovarian cancer; Hereditary breast and/or ovarian cancer syndrome; Breast and ovarian cancer; BRCA1- and BRCA2-Associated Hereditary Breast and Ovarian Cancer. Identifiers: Orphanet 145, MedGen C0677776, MeSH D061325, MONDO:0003582. Disease mechanism: loss of function.
Breast-ovarian cancer, familial, susceptibility to, 1 (BROVCA1). Also called: OVARIAN CANCER, SUSCEPTIBILITY TO; BRCA1 Hereditary Breast and Ovarian Cancer. Identifiers: Orphanet 145, MedGen C2676676, MONDO:0011450, OMIM 604370. Disease mechanism: loss of function.

Submissions (6):

Ambry Genetics
Classification: Pathogenic for Hereditary cancer-predisposing syndrome. Last evaluated: 2025-09-24. Review status: criteria provided, single submitter. Criteria: Ambry Variant Classification Scheme 2023. Collection method: clinical testing. Allele origin: germline.
Comment: The p.M1? pathogenic mutation (also known as c.2T>C) is located in coding exon 1 of the BRCA1 gene and results from a T to C substitution at nucleotide position 2. This alters the methionine residue at the initiation codon (ATG). This alteration is predicted to result in the loss of the first 17 amino acids of BRCA1. These RING domain residues comprise a significant portion of the N-helix of the four helix bundle that is crucial for BARD1/BRCA1 dimerization which, in turn, is responsible for their mutual stability, appropriate nuclear localization, and ubiquitin ligase activity (Brzovic PS et al. Nat. Struct. Biol. 2001 Oct;8(10): 833-7; Brzovic PS et al. J. Biol. Chem. 2001 Nov;276(44):41399-406; Brzovic PS et al. Proc. Natl. Acad. Sci. U.S.A. 2003 May;100(10):5646-51). One functional study found that this nucleotide substitution is non-functional in a high-throughput, genome editing, haploid cell survival assay (Findlay GM et al. Nature. 2018 Oct;562(7726):217-222). This variant is considered to be rare based on population cohorts in the Genome Aggregation Database (gnomAD). In addition to the clinical data presented in the literature, sequence variations that modify the initiation codon are expected to result in either loss of translation initiation, N-terminal truncation, or cause a shift in the mRNA reading frame. Based on the supporting evidence, this alteration is interpreted as a disease-causing mutation.

Labcorp Genetics (formerly Invitae), Labcorp
Classification: Pathogenic for Hereditary breast ovarian cancer syndrome. Last evaluated: 2024-05-05. Review status: criteria provided, single submitter. Criteria: Invitae Variant Classification Sherloc (09022015). Collection method: clinical testing. Allele origin: germline.
Comment: This sequence change affects the initiator methionine of the BRCA1 mRNA. The next in-frame methionine is located at codon 18. This variant is not present in population databases (gnomAD no frequency). Disruption of the initiator codon has been observed in individual(s) with a personal and/or family history of breast and/or ovarian cancer (PMID: 29446198). ClinVar contains an entry for this variant (Variation ID: 54745). Algorithms developed to predict the effect of variants on gene product structure and function are not available or were not evaluated for this variant. Experimental studies have shown that disruption of the initiator codon affects BRCA1 function (PMID: 21922593, 30209399). For these reasons, this variant has been classified as Pathogenic.

Consortium of Investigators of Modifiers of BRCA1/2 (CIMBA), c/o University of Cambridge
Classification: Pathogenic for Breast-ovarian cancer, familial, susceptibility to, 1. Last evaluated: 2015-10-02. Review status: criteria provided, single submitter. Criteria: CIMBA Mutation Classification guidelines May 2016. Collection method: clinical testing. Allele origin: germline.

Counsyl
Classification: Likely pathogenic for Breast-ovarian cancer, familial, susceptibility to, 1. Last evaluated: 2017-08-17. Review status: no assertion criteria provided. Collection method: clinical testing. Allele origin: unknown. Not counted in ClinVar's aggregate classification.

Breast Cancer Information Core (BIC) (BRCA1)
Classification: Pathogenic for Breast-ovarian cancer, familial 1. Last evaluated: 2002-05-29. Review status: no assertion criteria provided. Collection method: clinical testing. Allele origin: germline. Affected: yes. Observed: 1 variant allele. Not counted in ClinVar's aggregate classification.

Brotman Baty Institute, University of Washington
No classification provided (evidence only). Condition: Breast-ovarian cancer, familial 1. Review status: no classification provided. Collection method: in vitro. Allele origin: not applicable. Functional consequence: functionally_abnormal. Not counted in ClinVar's aggregate classification.
ClinVar note: "not provided" was previously submitted as the classification for the variant. However, the classification appeared to be based only on an observation of functional data so it was converted to no classification on 2025-07-30.

Literature cited by the submitters: PubMed 29446198 (cited by Ambry Genetics and Labcorp Genetics (formerly Invitae), Labcorp); PubMed 30209399 (cited by Ambry Genetics and Labcorp Genetics (formerly Invitae), Labcorp); PubMed 21922593 (cited by Labcorp Genetics (formerly Invitae), Labcorp and Counsyl); PubMed 15235020 (cited by Counsyl); PubMed 10851077 (cited by Counsyl); PubMed 15385441 (cited by Counsyl).

NM_007294.4(BRCA1):c.2T>C (p.Met1Thr)

Gene: BRCA1 (BRCA1 DNA repair associated; minus strand). Cytogenetic location: 17q21.31.
Variant type: single nucleotide variant.
Coding change: c.2T>C on transcript NM_007294.4 (MANE Select); coding-DNA position 2, T replaced by C.
Protein change: p.Met1Thr; changes the start codon (methionine 1).
Molecular consequence: missense variant, initiator codon variant. On other transcripts: 5 prime UTR variant (1), non-coding transcript variant (1).
Genome position (GRCh38, 1-based): chr17:43,124,095, A>G on the plus strand (T>C on the coding strand, the complement: BRCA1 is on the minus strand). VCF-style: chr17-43124095-A-G. GRCh37 (hg19) VCF-style: chr17-41276112-A-G.
Other names: c.2T>C, p.Met1Thr (NM_001407661.1, NM_001407662.1, NM_001407663.1 and 193 more transcripts); c.-256T>C (NM_001407694.1, NM_001407724.1, NM_001407727.1 and 11 more transcripts); c.-260T>C (NM_001407695.1, NM_001408465.1); c.-401T>C (NM_001407696.1); c.-285T>C (NM_001407697.1, NM_001407846.1, NM_001407920.1); c.-86T>C (NM_001407698.1, NM_001407732.1, NM_001407736.1 and 23 more transcripts); c.-259T>C (NM_001407725.1, NM_001407730.1, NM_001407734.1 and 22 more transcripts); c.-205T>C (NM_001407726.1, NM_001407751.1); and 8 more; short protein forms M1T.
Identifiers: ClinVar variation 54745 (VCV000054745.21), dbSNP rs80357111, ClinGen allele CA001954.